The following is an entry in ClinVar:

ClinVar aggregate classification (germline): Uncertain significance (1 of 4 stars; one submission).

Allele frequency attached by ClinVar (database versions not stated): ExAC 0.00001; gnomAD 0.00001; gnomAD exomes 0.00001; TOPMed 0.00001; 1000 Genomes Project 0.00020; 1000 Genomes Project 30x 0.00031.

Submission:

Labcorp Genetics (formerly Invitae), Labcorp
Classification: Uncertain significance. Last evaluated: 2021-11-20. Review status: criteria provided, single submitter. Criteria: Invitae Variant Classification Sherloc (09022015). Collection method: clinical testing. Allele origin: germline.
Comment: This sequence change replaces glutamic acid, which is acidic and polar, with lysine, which is basic and polar, at codon 722 of the ADAMTS10 protein (p.Glu722Lys). This variant is present in population databases (rs140823638, gnomAD 0.007%). This variant has not been reported in the literature in individuals affected with ADAMTS10-related conditions. Algorithms developed to predict the effect of missense changes on protein structure and function are either unavailable or do not agree on the potential impact of this missense change (SIFT: "Deleterious"; PolyPhen-2: "Benign"; Align-GVGD: "Class C55"). In summary, the available evidence is currently insufficient to determine the role of this variant in disease. Therefore, it has been classified as a Variant of Uncertain Significance.

NM_030957.4(ADAMTS10):c.2164G>A (p.Glu722Lys)

Gene: ADAMTS10 (ADAM metallopeptidase with thrombospondin type 1 motif 10; minus strand). Cytogenetic location: 19p13.2.
Variant type: single nucleotide variant.
Coding change: c.2164G>A on transcript NM_030957.4 (MANE Select); coding-DNA position 2164, G replaced by A.
Protein change: p.Glu722Lys; replaces glutamic acid 722 with lysine.
Molecular consequence: missense variant.
Genome position (GRCh38, 1-based): chr19:8,586,891, C>T on the plus strand (G>A on the coding strand, the complement: ADAMTS10 is on the minus strand). VCF-style: chr19-8586891-C-T. GRCh37 (hg19) VCF-style: chr19-8651775-C-T.
Other names: c.625G>A, p.Glu209Lys (NM_001282352.2); short protein forms E722K, E209K.
Identifiers: ClinVar variation 1521946 (VCV001521946.3), dbSNP rs140823638, ClinGen allele CA9160181.